The following is an entry in ClinVar:

NM_004360.5(CDH1):c.421A>C (p.Thr141Pro)

Gene: CDH1 (cadherin 1; plus strand). Cytogenetic location: 16q22.1.
Variant type: single nucleotide variant.
Coding change: c.421A>C on transcript NM_004360.5 (MANE Select); coding-DNA position 421, A replaced by C.
Protein change: p.Thr141Pro; replaces threonine 141 with proline.
Molecular consequence: missense variant. On other transcripts: 5 prime UTR variant (2).
Genome position (GRCh38, 1-based): chr16:68,808,457, A>C. VCF-style: chr16-68808457-A-C. GRCh37 (hg19) VCF-style: chr16-68842360-A-C.
Other names: c.421A>C, p.Thr141Pro (NM_001317184.2); c.-1195A>C (NM_001317185.2); c.-1399A>C (NM_001317186.2); short protein forms T141P.
Identifiers: ClinVar variation 1715874 (VCV001715874.8), dbSNP rs2152129648, ClinGen allele CA396457582.
Genomic context (GRCh38, chr16:68,808,457, plus strand): 5'-CTTGTTCCTCATCTTCTTTCCTTTTAGGCCTCCGTTTCTGGAATCCAAGCAGAATTGCTC[A>C]CATTTCCCAACTCCTCTCCTGGCCTCAGAAGACAGAAGAGAGACTGGGTTATTCCTCCCA-3'
Protein context (NP_004351.1, residues 131-151): SVSGIQAELL[Thr141Pro]FPNSSPGLRR

ClinVar aggregate classification (germline): Uncertain significance. Review status: criteria provided, multiple submitters, no conflicts (2 of 4 stars). 2 submissions from 2 submitters: Uncertain significance (2). Last evaluated 2026-01-21.

Conditions:
Hereditary cancer-predisposing syndrome. Also called: Hereditary neoplastic syndrome; Tumor predisposition; Neoplastic Syndromes, Hereditary; Hereditary Cancer Syndrome. Identifiers: Orphanet 140162, MedGen C0027672, MeSH D009386, MONDO:0015356.
Hereditary diffuse gastric adenocarcinoma (HDGC). Also called: DIFFUSE GASTRIC AND LOBULAR BREAST CANCER SYNDROME. Identifiers: Orphanet 26106, MedGen C1708349, MONDO:0007648, OMIM 137215.

Submissions (2):

Labcorp Genetics (formerly Invitae), Labcorp
Classification: Uncertain significance for Hereditary diffuse gastric adenocarcinoma. Last evaluated: 2026-01-21. Review status: criteria provided, single submitter. Criteria: Invitae Variant Classification Sherloc (09022015). Collection method: clinical testing. Allele origin: germline.
Comment: This sequence change replaces threonine, which is neutral and polar, with proline, which is neutral and non-polar, at codon 141 of the CDH1 protein (p.Thr141Pro). This variant is not present in population databases (gnomAD no frequency). This variant has not been reported in the literature in individuals affected with CDH1-related conditions. ClinVar contains an entry for this variant (Variation ID: 1715874). An algorithm developed to predict the effect of missense changes on protein structure and function (PolyPhen-2) suggests that this variant is likely to be tolerated. In summary, the available evidence is currently insufficient to determine the role of this variant in disease. Therefore, it has been classified as a Variant of Uncertain Significance.

Ambry Genetics
Classification: Uncertain significance for Hereditary cancer-predisposing syndrome. Last evaluated: 2023-07-21. Review status: criteria provided, single submitter. Criteria: Ambry Variant Classification Scheme 2023. Collection method: clinical testing. Allele origin: germline.
Comment: The p.T141P variant (also known as c.421A>C), located in coding exon 4 of the CDH1 gene, results from an A to C substitution at nucleotide position 421. The threonine at codon 141 is replaced by proline, an amino acid with highly similar properties. This amino acid position is not well conserved in available vertebrate species. In addition, this alteration is predicted to be tolerated by in silico analysis. Since supporting evidence is limited at this time, the clinical significance of this alteration remains unclear.